The following is an entry in ClinVar:

ClinVar aggregate classification (germline): Pathogenic. Review status: criteria provided, multiple submitters, no conflicts (2 of 4 stars). 4 submissions from 4 submitters: Pathogenic (3). 1 of the submissions does not count toward it. Last evaluated 2025-08-22.

Conditions:
Hereditary breast ovarian cancer syndrome. Also called: Hereditary breast and ovarian cancer; Hereditary breast and/or ovarian cancer syndrome; Hereditary breast and ovarian cancer syndrome; Hereditary breast and ovarian cancer syndrome (HBOC); Breast and ovarian cancer; BRCA1- and BRCA2-Associated Hereditary Breast and Ovarian Cancer. Identifiers: Orphanet 145, MedGen C0677776, MeSH D061325, MONDO:0003582. Disease mechanism: loss of function.
Breast-ovarian cancer, familial, susceptibility to, 2 (BROVCA2). Also called: BRCA2 Hereditary Breast and Ovarian Cancer. Identifiers: Orphanet 145, MedGen C2675520, MONDO:0012933, OMIM 612555. Disease mechanism: loss of function.

Allele frequency attached by ClinVar (database versions not stated): gnomAD exomes below 0.00001.
gnomAD v4.1: 1 of 1,602,716 alleles (0.000062%); no homozygotes.

Submissions (4):

Clinical Genetics Laboratory, Skane University Hospital Lund
Classification: Pathogenic for Breast-ovarian cancer, familial, susceptibility to, 2. Last evaluated: 2025-08-22. Review status: criteria provided, single submitter. Criteria: ACMG Guidelines, 2015. Collection method: clinical testing. Allele origin: germline. Affected: yes.
Comment: PVS1, PM2_Supporting, PM5_Strong

Labcorp Genetics (formerly Invitae), Labcorp
Classification: Pathogenic for Hereditary breast ovarian cancer syndrome. Last evaluated: 2024-10-23. Review status: criteria provided, single submitter. Criteria: Invitae Variant Classification Sherloc (09022015). Collection method: clinical testing. Allele origin: germline.
Comment: This sequence change creates a premature translational stop signal (p.Glu826*) in the BRCA2 gene. It is expected to result in an absent or disrupted protein product. Loss-of-function variants in BRCA2 are known to be pathogenic (PMID: 20104584). This variant is not present in population databases (gnomAD no frequency). This premature translational stop signal has been observed in individual(s) with breast cancer (PMID: 30175445). ClinVar contains an entry for this variant (Variation ID: 988557). For these reasons, this variant has been classified as Pathogenic.

Clinical Genetics and Genomics, Karolinska University Hospital
Classification: Pathogenic. Last evaluated: 2018-01-11. Review status: criteria provided, single submitter. Criteria: ACMG Guidelines, 2015. Collection method: clinical testing. Allele origin: germline. Affected: yes. Observed: 3 variant alleles.

BRCAlab, Lund University
Classification: Pathogenic for Breast-ovarian cancer, familial, susceptibility to, 2. Last evaluated: 2022-08-26. Review status: no assertion criteria provided. Collection method: clinical testing. Allele origin: germline. Affected: yes. Not counted in ClinVar's aggregate classification.

Literature cited by the submitters: PubMed 20104584 (cited by Labcorp Genetics (formerly Invitae), Labcorp); PubMed 30175445 (cited by Labcorp Genetics (formerly Invitae), Labcorp).

NM_000059.4(BRCA2):c.2476G>T (p.Glu826Ter)

Gene: BRCA2 (BRCA2 DNA repair associated; plus strand). Cytogenetic location: 13q13.1.
Variant type: single nucleotide variant.
Coding change: c.2476G>T on transcript NM_000059.4 (MANE Select); coding-DNA position 2476, G replaced by T.
Protein change: p.Glu826Ter; replaces glutamic acid 826 with a stop codon.
Molecular consequence: nonsense.
Genome position (GRCh38, 1-based): chr13:32,336,831, G>T. VCF-style: chr13-32336831-G-T. GRCh37 (hg19) VCF-style: chr13-32910968-G-T.
Other names: short protein forms E826*.
Identifiers: ClinVar variation 988557 (VCV000988557.27), dbSNP rs1566226803, ClinGen allele CA387772374.
Genomic context (GRCh38, chr13:32,336,831, plus strand): 5'-GATGTTGAATTAACCAAAAATATTCCCATGGAAAAGAATCAAGATGTATGTGCTTTAAAT[G>T]AAAATTATAAAAACGTTGAGCTGTTGCCACCTGAAAAATACATGAGAGTAGCATCACCTT-3'